The following is an entry in ClinVar:

NM_133642.5(LARGE1):c.196G>A (p.Glu66Lys)

Gene: LARGE1 (LARGE xylosyl- and glucuronyltransferase 1; minus strand). Cytogenetic location: 22q12.3.
Variant type: single nucleotide variant.
Coding change: c.196G>A on transcript NM_133642.5 (MANE Select); coding-DNA position 196, G replaced by A.
Protein change: p.Glu66Lys; replaces glutamic acid 66 with lysine.
Molecular consequence: missense variant.
Genome position (GRCh38, 1-based): chr22:33,650,579, C>T on the plus strand (G>A on the coding strand, the complement: LARGE1 is on the minus strand). VCF-style: chr22-33650579-C-T. GRCh37 (hg19) VCF-style: chr22-34046565-C-T.
Other names: c.196G>A, p.Glu66Lys (NM_001362949.2, NM_001362951.2, NM_001362953.2 and 7 more transcripts); short protein forms E66K.
Identifiers: ClinVar variation 3340799 (VCV003340799.1).

ClinVar aggregate classification (germline): Uncertain significance (1 of 4 stars; one submission).

Submission:

GeneDx
Classification: Uncertain significance. Last evaluated: 2023-11-02. Review status: criteria provided, single submitter. Criteria: GeneDx Variant Classification Process June 2021. Collection method: clinical testing. Allele origin: germline. Affected: yes.
Comment: Not observed at significant frequency in large population cohorts (gnomAD); In silico analysis supports that this missense variant has a deleterious effect on protein structure/function; Has not been previously published as pathogenic or benign to our knowledge; This variant is associated with the following publications: (PMID: 24709677, 25279699)